The following is an entry in ClinVar:

NM_003418.5(CNBP):c.-14-857_-14-838del

Genes: CNBP (CCHC-type zinc finger nucleic acid binding protein; minus strand), LOC108644431 (myotonic dystrophy type 2 repeat instability region; plus strand). Cytogenetic location: 3q21.3.
Variant type: Deletion.
Coding change: c.-14-857_-14-838del on transcript NM_003418.5 (MANE Select); 857 bases into the intron before 14 bases upstream of the start codon through 838 bases into the intron before 14 bases upstream of the start codon, 20 bases deleted (CCTGGCTGCCTGTCTGCCTG).
Molecular consequence: intron variant.
Genome position (GRCh38, 1-based): chr3:129,172,609-129,172,628, CAGGCAGACAGGCAGCCAGG deleted on the plus strand (CCTGGCTGCCTGTCTGCCTG on the coding strand, the reverse complement: CNBP is on the minus strand); deleting any 20 consecutive bases within chr3:129,172,609-129,172,635 gives the same sequence; the c. name uses the placement nearest the transcript's 3' end. VCF-style (leftmost placement, unchanged base first): chr3-129172608-ACAGGCAGACAGGCAGCCAGG-A. GRCh37 (hg19) VCF-style: chr3-128891451-ACAGGCAGACAGGCAGCCAGG-A.
Other names: c.-14-857_-14-838del (NM_001127196.2, NM_001127195.2, NM_001127194.2 and 2 more transcripts).
Identifiers: ClinVar variation 3043208 (VCV003043208.2), dbSNP rs1344337750, ClinGen allele CA546195977.

ClinVar aggregate classification (germline): Likely benign (0 of 4 stars; one submission).

Conditions:
CNBP-related disorder. Also called: CNBP-related condition.

Submission:

PreventionGenetics, part of Exact Sciences
Classification: Likely benign for CNBP-related condition. Last evaluated: 2021-06-15. Review status: no assertion criteria provided. Collection method: clinical testing. Allele origin: germline.
Comment: This variant is classified as likely benign based on ACMG/AMP sequence variant interpretation guidelines (Richards et al. 2015 PMID: 25741868, with internal and published modifications).